The following is an entry in ClinVar:

ClinVar aggregate classification (germline): Uncertain significance (1 of 4 stars; one submission).

Conditions:
Tumor predisposition syndrome 3 (TPDS3). Also called: LONG TELOMERE SYNDROME, POT1-RELATED; POT1 Tumor Predisposition; Glioma susceptibility 9; Melanoma, cutaneous malignant, susceptibility to, 10. Identifiers: Orphanet 618, MedGen C4014476, MONDO:0014368, OMIM 615848.

Submission:

Labcorp Genetics (formerly Invitae), Labcorp
Classification: Uncertain significance for Tumor predisposition syndrome 3. Last evaluated: 2021-11-22. Review status: criteria provided, single submitter. Criteria: Invitae Variant Classification Sherloc (09022015). Collection method: clinical testing. Allele origin: germline.
Comment: In summary, the available evidence is currently insufficient to determine the role of this variant in disease. Therefore, it has been classified as a Variant of Uncertain Significance. Algorithms developed to predict the effect of sequence changes on RNA splicing suggest that this variant may create or strengthen a splice site. This variant has not been reported in the literature in individuals affected with POT1-related conditions. This variant is not present in population databases (gnomAD no frequency). This sequence change falls in intron 12 of the POT1 gene. It does not directly change the encoded amino acid sequence of the POT1 protein.

NM_015450.3(POT1):c.1007-16T>G

Gene: POT1 (protection of telomeres 1; minus strand). Cytogenetic location: 7q31.33.
Variant type: single nucleotide variant.
Coding change: c.1007-16T>G on transcript NM_015450.3 (MANE Select); 16 bases into the intron before coding-DNA position 1007, T replaced by G.
Molecular consequence: intron variant.
Genome position (GRCh38, 1-based): chr7:124,842,979, A>C on the plus strand (T>G on the coding strand, the complement: POT1 is on the minus strand). VCF-style: chr7-124842979-A-C. GRCh37 (hg19) VCF-style: chr7-124483033-A-C.
Other names: c.614-16T>G (NM_001042594.2).
Identifiers: ClinVar variation 1438101 (VCV001438101.6), dbSNP rs2116468491, ClinGen allele CA2573141547.